The following is an entry in ClinVar:

ClinVar aggregate classification (germline): Pathogenic (1 of 4 stars; one submission).

Submission:

Illumina Laboratory Services, Illumina
Classification: Pathogenic. Last evaluated: 2023-04-24. Review status: criteria provided, single submitter. Criteria: ICSL CNVClassificationCriteria Aug2020. Collection method: clinical testing. Allele origin: unknown.
Comment: This CNV is a 57.7 Mb duplication of 3q23-q29 on chromosome 3, (seq[GRCh37]dup(3)(3q23q29); NC_000003.11:g.140154329_197847235dup) that occurred de novo. This CNV encompasses 284 protein-coding genes and overlaps previously described 3q duplications, occurring as de novo duplications, inversions, or part of an unbalanced translocation. These have been identified in individuals with facial dysmorphism, hirsutism, intellectual disability, developmental delays, poor growth, genitourinary, hand, and foot anomalies, and renal and cardiac defects, among other features (PMID: 27549440; 19344873). Similar duplications have not been described in controls (PMID: 24174537; 21841781). Based on the available evidence, this CNV is classified as pathogenic.

Single allele

Genes: SOX2-OT (SOX2 overlapping transcript; plus strand), SPSB4 (splA/ryanodine receptor domain and SOCS box containing 4; plus strand), SPTSSB (serine palmitoyltransferase small subunit B; minus strand), SSR3 (signal sequence receptor subunit 3; minus strand), SST (somatostatin; minus strand) and 283 more. Cytogenetic location: 3q23-29.
Variant type: Duplication.
Identifiers: ClinVar variation 2671595 (VCV002671595.1).